The following is an entry in ClinVar:

ClinVar aggregate classification (germline): Uncertain significance (1 of 4 stars; one submission).

Conditions:
Inborn genetic diseases. Identifiers: MedGen C0950123, MeSH D030342.

Submission:

Ambry Genetics
Classification: Uncertain significance for Inborn genetic diseases. Last evaluated: 2025-06-09. Review status: criteria provided, single submitter. Criteria: Ambry Variant Classification Scheme 2023. Collection method: clinical testing. Allele origin: germline.
Comment: The p.E235K variant (also known as c.703G>A), located in coding exon 6 of the PAX5 gene, results from a G to A substitution at nucleotide position 703. The glutamic acid at codon 235 is replaced by lysine, an amino acid with similar properties. This amino acid position is conserved. In addition, this alteration is predicted to be deleterious by in silico analysis. Based on the available evidence, the clinical significance of this variant remains unclear.

NM_016734.3(PAX5):c.703G>A (p.Glu235Lys)

Gene: PAX5 (paired box 5; minus strand). Cytogenetic location: 9p13.2.
Variant type: single nucleotide variant.
Coding change: c.703G>A on transcript NM_016734.3 (MANE Select); coding-DNA position 703, G replaced by A.
Protein change: p.Glu235Lys; replaces glutamic acid 235 with lysine.
Molecular consequence: missense variant. On other transcripts: non-coding transcript variant (2).
Genome position (GRCh38, 1-based): chr9:36,966,626, C>T on the plus strand (G>A on the coding strand, the complement: PAX5 is on the minus strand). VCF-style: chr9-36966626-C-T. GRCh37 (hg19) VCF-style: chr9-36966623-C-T.
Other names: c.703G>A, p.Glu235Lys (NM_001280547.2, NM_001280548.2, NM_001280549.2 and 2 more transcripts); c.379G>A, p.Glu127Lys (NM_001280551.2, NM_001280556.2); c.574G>A, p.Glu192Lys (NM_001280553.2, NM_001280554.2); c.505G>A, p.Glu169Lys (NM_001280555.2); short protein forms E127K, E235K, E169K, E192K.
Identifiers: ClinVar variation 3928358 (VCV003928358.1).